The following is an entry in ClinVar:

ClinVar aggregate classification (germline): Uncertain significance (1 of 4 stars; one submission).

Conditions:
Cardiovascular phenotype. Identifiers: MedGen CN230736.

Submission:

Ambry Genetics
Classification: Uncertain significance for Cardiovascular phenotype. Last evaluated: 2025-12-19. Review status: criteria provided, single submitter. Criteria: Ambry Variant Classification Scheme 2023. Collection method: clinical testing. Allele origin: germline.
Comment: The p.R965G variant (also known as c.2893C>G), located in coding exon 19 of the TRPM4 gene, results from a C to G substitution at nucleotide position 2893. The arginine at codon 965 is replaced by glycine, an amino acid with dissimilar properties. This amino acid position is conserved. In addition, the in silico prediction for this alteration is inconclusive. Based on the available evidence, the clinical significance of this variant remains unclear.

NM_017636.4(TRPM4):c.2893C>G (p.Arg965Gly)

Gene: TRPM4 (transient receptor potential cation channel subfamily M member 4; plus strand). Cytogenetic location: 19q13.33.
Variant type: single nucleotide variant.
Coding change: c.2893C>G on transcript NM_017636.4 (MANE Select); coding-DNA position 2893, C replaced by G.
Protein change: p.Arg965Gly; replaces arginine 965 with glycine.
Molecular consequence: missense variant.
Genome position (GRCh38, 1-based): chr19:49,200,725, C>G. VCF-style: chr19-49200725-C-G. GRCh37 (hg19) VCF-style: chr19-49703982-C-G.
Other names: c.2458C>G, p.Arg820Gly (NM_001195227.2); c.2548C>G, p.Arg850Gly (NM_001321281.2); c.1285C>G, p.Arg429Gly (NM_001321282.2); c.2371C>G, p.Arg791Gly (NM_001321283.2); c.1831C>G, p.Arg611Gly (NM_001321285.2); short protein forms R429G, R965G, R820G, R611G, R850G, R791G.
Identifiers: ClinVar variation 4841818 (VCV004841818.1).